The following is an entry in ClinVar:

NM_006660.5(CLPX):c.*6C>T

Gene: CLPX (caseinolytic mitochondrial matrix peptidase chaperone subunit X; minus strand). Cytogenetic location: 15q22.31.
Variant type: single nucleotide variant.
Coding change: c.*6C>T on transcript NM_006660.5 (MANE Select); 6 bases downstream of the stop codon, C replaced by T.
Molecular consequence: 3 prime UTR variant. On other transcripts: non-coding transcript variant (1).
Genome position (GRCh38, 1-based): chr15:65,150,817, G>A on the plus strand (C>T on the coding strand, the complement: CLPX is on the minus strand). VCF-style: chr15-65150817-G-A. GRCh37 (hg19) VCF-style: chr15-65443155-G-A.
Identifiers: ClinVar variation 3040415 (VCV003040415.2), dbSNP rs375348760, ClinGen allele CA7614534.

ClinVar aggregate classification (germline): Likely benign (0 of 4 stars; one submission).

Conditions:
CLPX-related disorder. Also called: CLPX-related condition.

Allele frequency attached by ClinVar (database versions not stated): gnomAD 0.00007; ExAC 0.00012; TOPMed 0.00012; 1000 Genomes Project 0.00020; ESP Exome Variant Server 0.00023; 1000 Genomes Project 30x 0.00031.
gnomAD v4.1: 144 of 1,596,436 alleles (0.009%); highest among the groups gnomAD compares: Middle Eastern, 0.017%; no homozygotes.

Submission:

PreventionGenetics, part of Exact Sciences
Classification: Likely benign for CLPX-related condition. Last evaluated: 2019-09-10. Review status: no assertion criteria provided. Collection method: clinical testing. Allele origin: germline.
Comment: This variant is classified as likely benign based on ACMG/AMP sequence variant interpretation guidelines (Richards et al. 2015 PMID: 25741868, with internal and published modifications).